The following is an entry in ClinVar:

ClinVar aggregate classification (germline): Likely pathogenic (1 of 4 stars; one submission).

Conditions:
Duchenne muscular dystrophy (DMD). Also called: MUSCULAR DYSTROPHY, PSEUDOHYPERTROPHIC PROGRESSIVE, DUCHENNE TYPE; Duchenne Muscular Dystrophy (DMD). Identifiers: Orphanet 98896, MedGen C0013264, MONDO:0010679, OMIM 310200.

Submission:

3billion
Classification: Likely pathogenic for Duchenne muscular dystrophy. Last evaluated: 2022-01-03. Review status: criteria provided, single submitter. Criteria: ACMG Guidelines, 2015. Collection method: clinical testing. Allele origin: germline. Affected: yes. Observed: 1 hemizygote.
Comment: Stop-gained (nonsense): predicted to result in a loss or disruption of normal protein function through nonsense-mediated decay (NMD) or protein truncation. Multiple pathogenic variants are reported downstream of the variant (PVS1_VS). It is not observed in the gnomAD v2.1.1 dataset (PM2_M). Therefore, this variant is classified as likely pathogenic according to the recommendation of ACMG/AMP guideline.

NM_004006.3(DMD):c.9484G>T (p.Glu3162Ter)

Gene: DMD (dystrophin; minus strand). Cytogenetic location: Xp21.2.
Variant type: single nucleotide variant.
Coding change: c.9484G>T on transcript NM_004006.3 (MANE Select); coding-DNA position 9484, G replaced by T.
Protein change: p.Glu3162Ter; replaces glutamic acid 3162 with a stop codon.
Molecular consequence: nonsense.
Genome position (GRCh38, 1-based): chrX:31,209,577, C>A on the plus strand (G>T on the coding strand, the complement: DMD is on the minus strand). VCF-style: chrX-31209577-C-A. GRCh37 (hg19) VCF-style: chrX-31227694-C-A.
Other names: c.9460G>T, p.Glu3154Ter (NM_000109.4); c.9472G>T, p.Glu3158Ter (NM_004009.3); c.9115G>T, p.Glu3039Ter (NM_004010.3); c.5461G>T, p.Glu1821Ter (NM_004011.4); c.5452G>T, p.Glu1818Ter (NM_004012.4); c.2104G>T, p.Glu702Ter (NM_004013.3, NM_004020.4, NM_004021.3 and 2 more transcripts); c.1297G>T, p.Glu433Ter (NM_004014.3); c.280G>T, p.Glu94Ter (NM_004015.3, NM_004016.3, NM_004017.3 and 2 more transcripts); short protein forms E1818*, E1821*, E3039*, E3154*, E3158*, E3162*, E433*, E702*.
Identifiers: ClinVar variation 1333487 (VCV001333487.1), dbSNP rs778367724, ClinGen allele CA412649899.